The following is an entry in ClinVar:

NM_001184.4(ATR):c.1669C>G (p.Leu557Val)

Gene: ATR (ATR serine/threonine kinase; minus strand). Cytogenetic location: 3q23.
Variant type: single nucleotide variant.
Coding change: c.1669C>G on transcript NM_001184.4 (MANE Select); coding-DNA position 1669, C replaced by G.
Protein change: p.Leu557Val; replaces leucine 557 with valine.
Molecular consequence: missense variant.
Genome position (GRCh38, 1-based): chr3:142,559,314, G>C on the plus strand (C>G on the coding strand, the complement: ATR is on the minus strand). VCF-style: chr3-142559314-G-C. GRCh37 (hg19) VCF-style: chr3-142278156-G-C.
Other names: c.1477C>G, p.Leu493Val (NM_001354579.2); short protein forms L557V, L493V.
Identifiers: ClinVar variation 3462456 (VCV003462456.1).

ClinVar aggregate classification (germline): Uncertain significance (1 of 4 stars; one submission).

Conditions:
Inborn genetic diseases. Identifiers: MedGen C0950123, MeSH D030342.

Submission:

Ambry Genetics
Classification: Uncertain significance for Inborn genetic diseases. Last evaluated: 2024-07-26. Review status: criteria provided, single submitter. Criteria: Ambry Variant Classification Scheme 2023. Collection method: clinical testing. Allele origin: germline.
Comment: The p.L557V variant (also known as c.1669C>G), located in coding exon 7 of the ATR gene, results from a C to G substitution at nucleotide position 1669. The leucine at codon 557 is replaced by valine, an amino acid with highly similar properties. This amino acid position is conserved. In addition, this alteration is predicted to be tolerated by in silico analysis. Based on the available evidence, the clinical significance of this variant remains unclear.